The following is an entry in ClinVar:

ClinVar aggregate classification (germline): Benign. Review status: criteria provided, multiple submitters, no conflicts (2 of 4 stars). 7 submissions from 7 submitters: Benign (6). 1 of the submissions does not count toward it. Last evaluated 2026-02-02.

Conditions:
Combined oxidative phosphorylation defect type 7. Identifiers: Orphanet 254930, MedGen C3150801, MONDO:0013306, OMIM 613559.
Spastic paraplegia. Identifiers: MedGen C0037772, HP:0001258.

Allele frequency attached by ClinVar (database versions not stated): ESP Exome Variant Server 0.04021; gnomAD 0.04534 and 0.04766; TOPMed 0.05339; ExAC 0.05694; gnomAD exomes 0.05737; 1000 Genomes Project 30x 0.08542; 1000 Genomes Project 0.09085.
gnomAD v4.1: 71,053 of 1,614,058 alleles (4.4%); highest among the groups gnomAD compares: East Asian, 25%; 2,622 homozygotes.

Submissions (7):

Labcorp Genetics (formerly Invitae), Labcorp
Classification: Benign for Combined oxidative phosphorylation defect type 7; Spastic paraplegia. Last evaluated: 2026-02-02. Review status: criteria provided, single submitter. Criteria: Invitae Variant Classification Sherloc (09022015). Collection method: clinical testing. Allele origin: germline.

Blueprint Genetics
Classification: Benign. Last evaluated: 2024-11-27. Review status: criteria provided, single submitter. Criteria: ACMG Guidelines, 2015. Collection method: clinical testing. Allele origin: germline.

Illumina Laboratory Services, Illumina
Classification: Benign for Combined oxidative phosphorylation defect type 7. Last evaluated: 2018-01-12. Review status: criteria provided, single submitter. Criteria: ICSL Variant Classification Criteria 13 December 2019. Collection method: clinical testing. Allele origin: germline.
Comment: This variant was observed in the ICSL laboratory as part of a predisposition screen in an ostensibly healthy population. It had not been previously curated by ICSL or reported in the Human Gene Mutation Database (HGMD: prior to June 1st, 2018), and was therefore a candidate for classification through an automated scoring system. Utilizing variant allele frequency, disease prevalence and penetrance estimates, and inheritance mode, an automated score was calculated to assess if this variant is too frequent to cause the disease. Based on the score and internal cut-off values, a variant classified as benign is not then subjected to further curation. The score for this variant resulted in a classification of benign for this disease.

GeneDx
Classification: Benign. Last evaluated: 2015-03-03. Review status: criteria provided, single submitter. Criteria: GeneDx Variant Classification Process June 2021. Collection method: clinical testing. Allele origin: germline. Affected: yes.

Breakthrough Genomics
Classification: Benign. Review status: criteria provided, single submitter. Criteria: ACMG Guidelines, 2015. Collection method: not provided. Allele origin: germline. Inheritance: Autosomal recessive inheritance. Affected: yes.

PreventionGenetics, part of Exact Sciences
Classification: Benign. Review status: criteria provided, single submitter. Criteria: ACMG Guidelines, 2015. Collection method: clinical testing. Allele origin: germline.

Mayo Clinic Laboratories, Mayo Clinic
Classification: Benign. Last evaluated: 2016-02-25. Review status: no assertion criteria provided. Collection method: clinical testing. Allele origin: unknown. Not counted in ClinVar's aggregate classification.

NM_152269.5(MTRFR):c.273C>T (p.Ile91=)

Gene: MTRFR (mitochondrial translation release factor in rescue; plus strand). Cytogenetic location: 12q24.31.
Variant type: single nucleotide variant.
Coding change: c.273C>T on transcript NM_152269.5 (MANE Select); coding-DNA position 273, C replaced by T.
Protein change: p.Ile91=; no amino-acid change (isoleucine 91 retained).
Molecular consequence: synonymous variant.
Genome position (GRCh38, 1-based): chr12:123,253,947, C>T. VCF-style: chr12-123253947-C-T. GRCh37 (hg19) VCF-style: chr12-123738494-C-T.
Other names: c.273C>T, p.Ile91= (NM_001143905.2, NM_001194995.1).
Identifiers: ClinVar variation 262628 (VCV000262628.20), dbSNP rs2280424, ClinGen allele CA6856550.
Genomic context (GRCh38, chr12:123,253,947, plus strand): 5'-GGGCCAGGCAACCAACAAAACCAGCAACTGCGTGGTGCTGAAGCACATCCCCTCAGGCAT[C>T]GTTGTAAAGGTAGATCACAGAAGGCCGCTGAGGGGAGAGGCCCCGCCCAAGGGTTCCACA-3'
Protein context (NP_689482.1, residues 81-101): CVVLKHIPSG[Ile91=]VVKCHQTRSV